The following is an entry in ClinVar:

ClinVar aggregate classification (germline): Uncertain significance. Review status: criteria provided, multiple submitters, no conflicts (2 of 4 stars). 4 submissions from 4 submitters: Uncertain significance (4). Last evaluated 2025-12-02.

Conditions:
Rubinstein-Taybi syndrome due to EP300 haploinsufficiency. Also called: RUBINSTEIN-TAYBI SYNDROME 2; EP300-Related Rubinstein-Taybi Syndrome. Identifiers: Orphanet 353284, Orphanet 783, MedGen C3150941, MONDO:0013364, OMIM 613684.
EP300-related disorder. Also called: EP300-related disorders; EP300-related condition.
Inborn genetic diseases. Identifiers: MedGen C0950123, MeSH D030342.

Allele frequency attached by ClinVar (database versions not stated): gnomAD exomes below 0.00001; TOPMed below 0.00001.
gnomAD v4.1: 5 of 1,613,850 alleles (0.00031%); highest among the groups gnomAD compares: Admixed American, 0.0017%; no homozygotes.

Submissions (4):

Ambry Genetics
Classification: Uncertain significance for Inborn genetic diseases. Last evaluated: 2025-12-02. Review status: criteria provided, single submitter. Criteria: Ambry Variant Classification Scheme 2023. Collection method: clinical testing. Allele origin: germline.

Labcorp Genetics (formerly Invitae), Labcorp
Classification: Uncertain significance for Rubinstein-Taybi syndrome due to EP300 haploinsufficiency. Last evaluated: 2025-11-14. Review status: criteria provided, single submitter. Criteria: Invitae Variant Classification Sherloc (09022015). Collection method: clinical testing. Allele origin: germline.
Comment: This sequence change replaces arginine, which is basic and polar, with glycine, which is neutral and non-polar, at codon 883 of the EP300 protein (p.Arg883Gly). This variant is not present in population databases (gnomAD no frequency). This variant has not been reported in the literature in individuals affected with EP300-related conditions. ClinVar contains an entry for this variant (Variation ID: 1678295). Invitae Evidence Modeling of protein sequence and biophysical properties (such as structural, functional, and spatial information, amino acid conservation, physicochemical variation, residue mobility, and thermodynamic stability) indicates that this missense variant is not expected to disrupt EP300 protein function with a negative predictive value of 95%. In summary, the available evidence is currently insufficient to determine the role of this variant in disease. Therefore, it has been classified as a Variant of Uncertain Significance.

PreventionGenetics, part of Exact Sciences
Classification: Uncertain significance for EP300-related condition. Last evaluated: 2025-07-29. Review status: criteria provided, single submitter. Criteria: ACMG Guidelines, 2015. Collection method: clinical testing. Allele origin: germline.
Comment: The EP300 c.2647A>G variant is predicted to result in the amino acid substitution p.Arg883Gly. To our knowledge, this variant has not been reported in the literature or in a large population database (gnomAD), indicating this variant is rare. At this time, the clinical significance of this variant is uncertain due to the absence of conclusive functional and genetic evidence.

AiLife Diagnostics
Classification: Uncertain significance. Last evaluated: 2020-07-19. Review status: criteria provided, single submitter. Criteria: ACMG Guidelines, 2015. Collection method: clinical testing. Allele origin: germline. Affected: yes. Observed: 1 variant allele.

NM_001429.4(EP300):c.2647A>G (p.Arg883Gly)

Gene: EP300 (EP300 lysine acetyltransferase; plus strand). Cytogenetic location: 22q13.2.
Variant type: single nucleotide variant.
Coding change: c.2647A>G on transcript NM_001429.4 (MANE Select); coding-DNA position 2647, A replaced by G.
Protein change: p.Arg883Gly; replaces arginine 883 with glycine.
Molecular consequence: missense variant.
Genome position (GRCh38, 1-based): chr22:41,150,028, A>G. VCF-style: chr22-41150028-A-G. GRCh37 (hg19) VCF-style: chr22-41546032-A-G.
Other names: c.2647A>G (NM_001429.3); c.2569A>G, p.Arg857Gly (NM_001362843.2); short protein forms R857G, R883G.
Identifiers: ClinVar variation 1678295 (VCV001678295.9), dbSNP rs2059034589, ClinGen allele CA411691712.